The following is an entry in ClinVar:

ClinVar aggregate classification (germline): Pathogenic (1 of 4 stars; one submission).

Conditions:
Beckwith-Wiedemann syndrome (BWS). Also called: EMG SYNDROME; Exomphalos macroglossia gigantism syndrome. Identifiers: Orphanet 116, MedGen C0004903, MONDO:0007534, OMIM 130650.

Submission:

Labcorp Genetics (formerly Invitae), Labcorp
Classification: Pathogenic for Beckwith-Wiedemann syndrome. Last evaluated: 2023-04-28. Review status: criteria provided, single submitter. Criteria: Invitae Variant Classification Sherloc (09022015). Collection method: clinical testing. Allele origin: germline.
Comment: For these reasons, this variant has been classified as Pathogenic. This variant disrupts a region of the CDKN1C protein in which other variant(s) (p.Pro302Leufs*19) have been determined to be pathogenic (PMID: 26077438; Invitae). This suggests that this is a clinically significant region of the protein, and that variants that disrupt it are likely to be disease-causing. ClinVar contains an entry for this variant (Variation ID: 2024850). This variant has not been reported in the literature in individuals affected with CDKN1C-related conditions. This variant is not present in population databases (gnomAD no frequency). This sequence change results in a frameshift in the CDKN1C gene (p.Asp290Glufs*31). While this is not anticipated to result in nonsense mediated decay, it is expected to disrupt the last 27 amino acid(s) of the CDKN1C protein and extend the protein by 3 additional amino acid residues.

Literature cited by the submitters: PubMed 26077438.

NM_001122630.2(CDKN1C):c.837del (p.Asp279fs)

Gene: CDKN1C (cyclin dependent kinase inhibitor 1C; minus strand). Cytogenetic location: 11p15.4.
Variant type: Deletion.
Coding change: c.837del on transcript NM_001122630.2 (MANE Select); coding-DNA position 837, one base deleted (T; older notation c.837delT).
Protein change: p.Asp279fs; shifts the reading frame from aspartic acid 279.
Molecular consequence: frameshift variant.
Genome position (GRCh38, 1-based): chr11:2,884,085, A deleted on the plus strand (T on the coding strand, the reverse complement: CDKN1C is on the minus strand). VCF-style (leftmost placement, unchanged base first): chr11-2884084-CA-C. GRCh37 (hg19) VCF-style: chr11-2905314-CA-C.
Other names: c.837del, p.Asp279fs (NM_001122631.2); c.870del, p.Asp290fs (NM_001362474.2, NM_000076.2); c.305del, p.Met102fs (NM_001362475.2); short protein forms D279fs, D290fs, M102fs.
Identifiers: ClinVar variation 2024850 (VCV002024850.4), dbSNP rs2494379970, ClinGen allele CA2580082639.